The following is an entry in ClinVar:

NM_005633.4(SOS1):c.3012A>C (p.Glu1004Asp)

Gene: SOS1 (SOS Ras/Rac guanine nucleotide exchange factor 1; minus strand). Cytogenetic location: 2p22.1.
Variant type: single nucleotide variant.
Coding change: c.3012A>C on transcript NM_005633.4 (MANE Select); coding-DNA position 3012, A replaced by C.
Protein change: p.Glu1004Asp; replaces glutamic acid 1004 with aspartic acid.
Molecular consequence: missense variant.
Genome position (GRCh38, 1-based): chr2:38,996,991, T>G on the plus strand (A>C on the coding strand, the complement: SOS1 is on the minus strand). VCF-style: chr2-38996991-T-G. GRCh37 (hg19) VCF-style: chr2-39224132-T-G.
Other names: c.2991A>C, p.Glu997Asp (NM_001382394.1); c.3012A>C, p.Glu1004Asp (NM_001382395.1); short protein forms E997D, E1004D.
Identifiers: ClinVar variation 1798817 (VCV001798817.5), dbSNP rs2528923690, ClinGen allele CA346361442.

ClinVar aggregate classification (germline): Uncertain significance. Review status: criteria provided, multiple submitters, no conflicts (2 of 4 stars). 2 submissions from 2 submitters: Uncertain significance (2). Last evaluated 2023-11-17.

Conditions:
Cardiovascular phenotype. Identifiers: MedGen CN230736.
RASopathy. Also called: rasopathies; Noonan spectrum disorder. Identifiers: Orphanet 536391, MedGen C5555857, MONDO:0021060.

Allele frequency attached by ClinVar (database versions not stated): gnomAD exomes below 0.00001.
gnomAD v4.1: 2 of 1,607,984 alleles (0.00012%); highest among the groups gnomAD compares: Non-Finnish European, 0.00017%; no homozygotes.

Submissions (2):

Labcorp Genetics (formerly Invitae), Labcorp
Classification: Uncertain significance for RASopathy. Last evaluated: 2023-11-17. Review status: criteria provided, single submitter. Criteria: Invitae Variant Classification Sherloc (09022015). Collection method: clinical testing. Allele origin: germline.
Comment: This sequence change replaces glutamic acid, which is acidic and polar, with aspartic acid, which is acidic and polar, at codon 1004 of the SOS1 protein (p.Glu1004Asp). This variant is not present in population databases (gnomAD no frequency). This variant has not been reported in the literature in individuals affected with SOS1-related conditions. ClinVar contains an entry for this variant (Variation ID: 1798817). Advanced modeling of protein sequence and biophysical properties (such as structural, functional, and spatial information, amino acid conservation, physicochemical variation, residue mobility, and thermodynamic stability) performed at Invitae indicates that this missense variant is not expected to disrupt SOS1 protein function with a negative predictive value of 80%. In summary, the available evidence is currently insufficient to determine the role of this variant in disease. Therefore, it has been classified as a Variant of Uncertain Significance.

Ambry Genetics
Classification: Uncertain significance for Cardiovascular phenotype. Last evaluated: 2019-09-11. Review status: criteria provided, single submitter. Criteria: Ambry Variant Classification Scheme 2023. Collection method: clinical testing. Allele origin: germline.
Comment: The p.E1004D variant (also known as c.3012A>C), located in coding exon 19 of the SOS1 gene, results from an A to C substitution at nucleotide position 3012. The glutamic acid at codon 1004 is replaced by aspartic acid, an amino acid with highly similar properties. This amino acid position is well conserved in available vertebrate species; however, aspartic acid is the reference amino acid in other vertebrate species. In addition, this alteration is predicted to be tolerated by in silico analysis. Since supporting evidence is limited at this time, the clinical significance of this alteration remains unclear.